The following is an entry in ClinVar:

ClinVar aggregate classification (germline): Uncertain significance (1 of 4 stars; one submission).

Conditions:
Fanconi anemia complementation group Q. Identifiers: Orphanet 84, MedGen C3808988, MONDO:0014108, OMIM 615272.
Xeroderma pigmentosum, group F (XPF). Also called: XERODERMA PIGMENTOSUM, COMPLEMENTATION GROUP F; XERODERMA PIGMENTOSUM VI; XP, GROUP F; ERCC4-Related Xeroderma Pigmentosum; XERODERMA PIGMENTOSUM, TYPE F; Xeroderma pigmentosum, type 6. Identifiers: MedGen C0268140, MONDO:0010215, OMIM 278760.
Cockayne syndrome. Identifiers: Orphanet 191, MedGen C0009207, MONDO:0016006.

Allele frequency attached by ClinVar (database versions not stated): TOPMed below 0.00001; ExAC 0.00001; gnomAD 0.00001; gnomAD exomes 0.00001.

Submission:

Labcorp Genetics (formerly Invitae), Labcorp
Classification: Uncertain significance for Fanconi anemia complementation group Q; Xeroderma pigmentosum, group F; Cockayne syndrome. Last evaluated: 2022-08-12. Review status: criteria provided, single submitter. Criteria: Invitae Variant Classification Sherloc (09022015). Collection method: clinical testing. Allele origin: germline.
Comment: This sequence change disrupts the translational stop signal of the ERCC4 mRNA. It is expected to extend the length of the ERCC4 protein by 83 additional amino acid residues. This variant is present in population databases (rs780318166, gnomAD 0.01%). In summary, the available evidence is currently insufficient to determine the role of this variant in disease. Therefore, it has been classified as a Variant of Uncertain Significance. This variant has not been reported in the literature in individuals affected with ERCC4-related conditions.

NM_005236.3(ERCC4):c.2749T>C (p.Ter917Arg)

Gene: ERCC4 (ERCC excision repair 4, endonuclease catalytic subunit; plus strand). Cytogenetic location: 16p13.12.
Variant type: single nucleotide variant.
Coding change: c.2749T>C on transcript NM_005236.3 (MANE Select); coding-DNA position 2749, T replaced by C.
Protein change: p.Ter917Arg.
Molecular consequence: stop lost.
Genome position (GRCh38, 1-based): chr16:13,948,345, T>C. VCF-style: chr16-13948345-T-C. GRCh37 (hg19) VCF-style: chr16-14042202-T-C.
Identifiers: ClinVar variation 2142643 (VCV002142643.4), dbSNP rs780318166, ClinGen allele CA7910809.